The following is an entry in ClinVar:

ClinVar aggregate classification (germline): Benign. Review status: criteria provided, multiple submitters, no conflicts (2 of 4 stars). 6 submissions from 6 submitters: Benign (6). Last evaluated 2026-02-01.

Conditions:
Glycogen storage disease due to muscle and heart glycogen synthase deficiency. Also called: GSD 0b; MUSCLE GLYCOGEN SYNTHASE DEFICIENCY. Identifiers: Orphanet 137625, MedGen C1969054, MONDO:0012693, OMIM 611556.

Allele frequency attached by ClinVar (database versions not stated): gnomAD exomes 0.00214 and 0.00487; ExAC 0.00572; gnomAD 0.01213 and 0.01301; 1000 Genomes Project 0.01338; 1000 Genomes Project 30x 0.01421; TOPMed 0.01425; ESP Exome Variant Server 0.01592.
gnomAD v4.1: 5,197 of 1,613,178 alleles (0.32%); highest among the groups gnomAD compares: African/African-American, 3.8%; 89 homozygotes.

Submissions (6):

Labcorp Genetics (formerly Invitae), Labcorp
Classification: Benign for Glycogen storage disease due to muscle and heart glycogen synthase deficiency. Last evaluated: 2026-02-01. Review status: criteria provided, single submitter. Criteria: Invitae Variant Classification Sherloc (09022015). Collection method: clinical testing. Allele origin: germline.

Mayo Clinic Laboratories, Mayo Clinic
Classification: Benign. Last evaluated: 2023-08-23. Review status: criteria provided, single submitter. Criteria: ACMG Guidelines, 2015. Collection method: clinical testing. Allele origin: germline. Observed: 16 variant alleles.

ARUP Laboratories, Molecular Genetics and Genomics, ARUP Laboratories
Classification: Benign for Glycogen storage disease due to muscle and heart glycogen synthase deficiency. Last evaluated: 2022-12-19. Review status: criteria provided, single submitter. Criteria: ARUP Molecular Germline Variant Investigation Process 2024. Collection method: clinical testing. Allele origin: germline.

Illumina Laboratory Services, Illumina
Classification: Benign for Glycogen storage disease due to muscle and heart glycogen synthase deficiency. Last evaluated: 2018-01-12. Review status: criteria provided, single submitter. Criteria: ICSL Variant Classification Criteria 13 December 2019. Collection method: clinical testing. Allele origin: germline.
Comment: This variant was observed in the ICSL laboratory as part of a predisposition screen in an ostensibly healthy population. It had not been previously curated by ICSL or reported in the Human Gene Mutation Database (HGMD: prior to June 1st, 2018), and was therefore a candidate for classification through an automated scoring system. Utilizing variant allele frequency, disease prevalence and penetrance estimates, and inheritance mode, an automated score was calculated to assess if this variant is too frequent to cause the disease. Based on the score and internal cut-off values, a variant classified as benign is not then subjected to further curation. The score for this variant resulted in a classification of benign for this disease.

GeneDx
Classification: Benign. Last evaluated: 2016-03-18. Review status: criteria provided, single submitter. Criteria: GeneDx Variant Classification (06012015). Collection method: clinical testing. Allele origin: germline. Affected: yes.
Comment: This variant is considered likely benign or benign based on one or more of the following criteria: it is a conservative change, it occurs at a poorly conserved position in the protein, it is predicted to be benign by multiple in silico algorithms, and/or has population frequency not consistent with disease.

Breakthrough Genomics
Classification: Benign. Review status: criteria provided, single submitter. Criteria: ACMG Guidelines, 2015. Collection method: not provided. Allele origin: germline. Inheritance: Autosomal recessive inheritance. Affected: yes.

NM_002103.5(GYS1):c.420A>G (p.Gly140=)

Gene: GYS1 (glycogen synthase 1; minus strand). Cytogenetic location: 19q13.33.
Variant type: single nucleotide variant.
Coding change: c.420A>G on transcript NM_002103.5 (MANE Select); coding-DNA position 420, A replaced by G.
Protein change: p.Gly140=; no amino-acid change (glycine 140 retained).
Molecular consequence: synonymous variant. On other transcripts: non-coding transcript variant (1), intron variant (1).
Genome position (GRCh38, 1-based): chr19:48,987,266, T>C on the plus strand (A>G on the coding strand, the complement: GYS1 is on the minus strand). VCF-style: chr19-48987266-T-C. GRCh37 (hg19) VCF-style: chr19-49490523-T-C.
Other names: p.Gly140=; c.301-1231A>G (NM_001161587.2).
Identifiers: ClinVar variation 329824 (VCV000329824.18), dbSNP rs5458, ClinGen allele CA9563359.